The following is an entry in ClinVar:

NM_000278.5(PAX2):c.496+89C>G

Gene: PAX2 (paired box 2; plus strand). Cytogenetic location: 10q24.31.
Variant type: single nucleotide variant.
Coding change: c.496+89C>G on transcript NM_000278.5 (MANE Select); 89 bases into the intron after coding-DNA position 496, C replaced by G.
Molecular consequence: intron variant.
Genome position (GRCh38, 1-based): chr10:100,779,672, C>G. VCF-style: chr10-100779672-C-G. GRCh37 (hg19) VCF-style: chr10-102539429-C-G.
Other names: c.589+89C>G (NM_001304569.2); c.496+89C>G (NM_003987.5, NM_003990.5, NM_003988.5 and 1 more transcripts).
Identifiers: ClinVar variation 1246835 (VCV001246835.5), dbSNP rs7901210, ClinGen allele CA13166957.

ClinVar aggregate classification (germline): Benign. Review status: criteria provided, multiple submitters, no conflicts (2 of 4 stars). 3 submissions from 3 submitters: Benign (3). Last evaluated 2024-07-15.

Allele frequency attached by ClinVar (database versions not stated): 1000 Genomes Project 0.25060; 1000 Genomes Project 30x 0.26343; gnomAD 0.29631 and 0.30583; TOPMed 0.31143.
gnomAD v4.1: 238,310 of 1,031,420 alleles (23%); highest among the groups gnomAD compares: African/African-American, 54%; 32,809 homozygotes.

Submissions (3):

Unidad de Genómica Garrahan, Hospital de Pediatría Garrahan
Classification: Benign. Last evaluated: 2024-07-15. Review status: criteria provided, single submitter. Criteria: ACMG Guidelines, 2015. Collection method: clinical testing. Allele origin: germline. Affected: no. Observed: 29 variant alleles.
Comment: This variant is classified as Benign based on local population frequency. This variant was detected in 31% of patients studied in a panel designed for Epileptic and Developmental Encephalopathy and Progressive Myoclonus Epilepsy. Number of patients: 29. Only high quality variants are reported.

GeneDx
Classification: Benign. Last evaluated: 2015-03-03. Review status: criteria provided, single submitter. Criteria: GeneDx Variant Classification Process June 2021. Collection method: clinical testing. Allele origin: germline. Affected: yes.

Breakthrough Genomics
Classification: Benign. Review status: criteria provided, single submitter. Criteria: ACMG Guidelines, 2015. Collection method: not provided. Allele origin: germline. Inheritance: Autosomal dominant inheritance. Affected: yes.